The following is an entry in ClinVar:

ClinVar aggregate classification (germline): Uncertain significance. Review status: criteria provided, multiple submitters, no conflicts (2 of 4 stars). 2 submissions from 2 submitters: Uncertain significance (2). Last evaluated 2025-04-12.

Conditions:
Inborn genetic diseases. Identifiers: MedGen C0950123, MeSH D030342.

Allele frequency attached by ClinVar (database versions not stated): gnomAD exomes below 0.00001.
gnomAD v4.1: 4 of 1,614,272 alleles (0.00025%); highest among the groups gnomAD compares: South Asian, 0.0011%; no homozygotes.

Submissions (2):

Ambry Genetics
Classification: Uncertain significance for Inborn genetic diseases. Last evaluated: 2025-04-12. Review status: criteria provided, single submitter. Criteria: Ambry Variant Classification Scheme 2023. Collection method: clinical testing. Allele origin: germline.

Labcorp Genetics (formerly Invitae), Labcorp
Classification: Uncertain significance. Last evaluated: 2022-10-30. Review status: criteria provided, single submitter. Criteria: Invitae Variant Classification Sherloc (09022015). Collection method: clinical testing. Allele origin: germline.
Comment: In summary, the available evidence is currently insufficient to determine the role of this variant in disease. Therefore, it has been classified as a Variant of Uncertain Significance. Advanced modeling of protein sequence and biophysical properties (such as structural, functional, and spatial information, amino acid conservation, physicochemical variation, residue mobility, and thermodynamic stability) performed at Invitae indicates that this missense variant is not expected to disrupt ARID1A protein function. This variant has not been reported in the literature in individuals affected with ARID1A-related conditions. This variant is present in population databases (no rsID available, gnomAD 0.0009%). This sequence change replaces proline, which is neutral and non-polar, with threonine, which is neutral and polar, at codon 854 of the ARID1A protein (p.Pro854Thr).

NM_006015.6(ARID1A):c.2560C>A (p.Pro854Thr)

Gene: ARID1A (AT-rich interaction domain 1A; plus strand). Cytogenetic location: 1p36.11.
Variant type: single nucleotide variant.
Coding change: c.2560C>A on transcript NM_006015.6 (MANE Select); coding-DNA position 2560, C replaced by A.
Protein change: p.Pro854Thr; replaces proline 854 with threonine.
Molecular consequence: missense variant.
Genome position (GRCh38, 1-based): chr1:26,763,113, C>A. VCF-style: chr1-26763113-C-A. GRCh37 (hg19) VCF-style: chr1-27089604-C-A.
Other names: c.2560C>A, p.Pro854Thr (NM_139135.4); short protein forms P854T.
Identifiers: ClinVar variation 2979033 (VCV002979033.4), dbSNP rs369710133, ClinGen allele CA339156872.